The following is an entry in ClinVar:

ClinVar aggregate classification (germline): Uncertain significance (1 of 4 stars; one submission).

Submission:

Labcorp Genetics (formerly Invitae), Labcorp
Classification: Uncertain significance. Last evaluated: 2025-06-17. Review status: criteria provided, single submitter. Criteria: Invitae Variant Classification Sherloc (09022015). Collection method: clinical testing. Allele origin: germline.
Comment: This sequence change replaces glutamic acid, which is acidic and polar, with aspartic acid, which is acidic and polar, at codon 929 of the EFL1 protein (p.Glu929Asp). This variant is not present in population databases (gnomAD no frequency). This variant has not been reported in the literature in individuals affected with EFL1-related conditions. ClinVar contains an entry for this variant (Variation ID: 1470287). An algorithm developed to predict the effect of missense changes on protein structure and function outputs the following: PolyPhen-2: "Benign". The aspartic acid amino acid residue is found in multiple mammalian species, which suggests that this missense change does not adversely affect protein function. In summary, the available evidence is currently insufficient to determine the role of this variant in disease. Therefore, it has been classified as a Variant of Uncertain Significance.

NM_024580.6(EFL1):c.2787G>T (p.Glu929Asp)

Gene: EFL1 (elongation factor like GTPase 1; minus strand). Cytogenetic location: 15q25.2.
Variant type: single nucleotide variant.
Coding change: c.2787G>T on transcript NM_024580.6 (MANE Select); coding-DNA position 2787, G replaced by T.
Protein change: p.Glu929Asp; replaces glutamic acid 929 with aspartic acid.
Molecular consequence: missense variant. On other transcripts: non-coding transcript variant (1).
Genome position (GRCh38, 1-based): chr15:82,151,667, C>A on the plus strand (G>T on the coding strand, the complement: EFL1 is on the minus strand). VCF-style: chr15-82151667-C-A. GRCh37 (hg19) VCF-style: chr15-82444008-C-A.
Other names: c.2634G>T, p.Glu878Asp (NM_001040610.3); c.1998G>T, p.Glu666Asp (NM_001322844.2); c.2787G>T, p.Glu929Asp (NM_001322845.2); short protein forms E878D, E929D, E666D.
Identifiers: ClinVar variation 1470287 (VCV001470287.8), dbSNP rs2073909623, ClinGen allele CA393286459.